The following is an entry in ClinVar:

ClinVar aggregate classification (germline): Uncertain significance (1 of 4 stars; one submission).

Conditions:
Hereditary cancer-predisposing syndrome. Also called: Neoplastic Syndromes, Hereditary; Tumor predisposition; Hereditary Cancer Syndrome; Hereditary neoplastic syndrome. Identifiers: Orphanet 140162, MedGen C0027672, MeSH D009386, MONDO:0015356.

Submission:

Ambry Genetics
Classification: Uncertain significance for Hereditary cancer-predisposing syndrome. Last evaluated: 2026-05-28. Review status: criteria provided, single submitter. Criteria: Ambry Variant Classification Scheme 2023. Collection method: clinical testing. Allele origin: germline.
Comment: The c.1030_1032delCAAinsTCT variant, located in coding exon 4 of the MSH6 gene, results from an in-frame deletion of CAA and insertion of TCT at nucleotide positions 1030 to 1032. This results in the substitution of the glutamine residue for a serine residue at codon 344, an amino acid with similar properties. This amino acid position is not well conserved in available vertebrate species. In addition, this variant is predicted to be neutral by in silico analysis (Choi Y et al. PLoS ONE. 2012; 7(10):e46688). Based on the available evidence, the clinical significance of this variant remains unclear.

NM_000179.3(MSH6):c.1030_1032delinsTCT (p.Gln344Ser)

Gene: MSH6 (mutS homolog 6; plus strand). Cytogenetic location: 2p16.3.
Variant type: Indel.
Coding change: c.1030_1032delinsTCT on transcript NM_000179.3 (MANE Select); coding-DNA positions 1030 to 1032, CAA replaced by TCT.
Protein change: p.Gln344Ser; replaces glutamine 344 with serine.
Molecular consequence: missense variant. On other transcripts: intron variant (1), non-coding transcript variant (4).
Genome position (GRCh38, 1-based): chr2:47,799,013-47,799,015, CAA replaced by TCT. VCF-style: chr2-47799013-CAA-TCT. GRCh37 (hg19) VCF-style: chr2-48026152-CAA-TCT.
Other names: c.640_642delinsTCT, p.Gln214Ser (NM_001281492.2); c.124_126delinsTCT, p.Gln42Ser (NM_001281493.2, NM_001281494.2, NM_001406816.1 and 6 more transcripts); c.1126_1128delinsTCT, p.Gln376Ser (NM_001406795.1, NM_001406802.1); c.1030_1032delinsTCT, p.Gln344Ser (NM_001406796.1, NM_001406798.1, NM_001406800.1 and 4 more transcripts); c.733_735delinsTCT, p.Gln245Ser (NM_001406797.1, NM_001406801.1, NM_001406818.1 and 10 more transcripts); c.505_507delinsTCT, p.Gln169Ser (NM_001406799.1, NM_001406806.1, NM_001406807.1); c.952_954delinsTCT, p.Gln318Ser (NM_001406804.1); c.628-1653_628-1651delinsTCT (NM_001407362.1); and 2 more; short protein forms Q169S, Q214S, Q245S, Q288S, Q318S, Q344S, Q346S, Q376S.
Identifiers: ClinVar variation 4860423 (VCV004860423.1).